The following is an entry in ClinVar:

NM_024996.7(GFM1):c.1297_1300del (p.Asp433fs)

Gene: GFM1 (G elongation factor mitochondrial 1; plus strand). Cytogenetic location: 3q25.32.
Variant type: Deletion.
Coding change: c.1297_1300del on transcript NM_024996.7 (MANE Select); coding-DNA positions 1297 to 1300, 4 bases deleted (GACA; older notation c.1297_1300delGACA).
Protein change: p.Asp433fs; shifts the reading frame from aspartic acid 433.
Molecular consequence: frameshift variant. On other transcripts: non-coding transcript variant (4).
Genome position (GRCh38, 1-based): chr3:158,660,949-158,660,952, GACA deleted; deleting any 4 consecutive bases within chr3:158,660,946-158,660,952 gives the same sequence; the c. name uses the placement nearest the transcript's 3' end. VCF-style (leftmost placement, unchanged base first): chr3-158660945-CACAG-C. GRCh37 (hg19) VCF-style: chr3-158378734-CACAG-C.
Other names: c.1297_1300delGACA (NM_024996.5); c.1354_1357del, p.Asp452fs (NM_001308164.2); c.1297_1300del, p.Asp433fs (NM_001308166.2); c.1216_1219del, p.Asp406fs (NM_001374355.1); c.1180_1183del, p.Asp394fs (NM_001374356.1); c.1072_1075del, p.Asp358fs (NM_001374357.1); c.838_841del, p.Asp280fs (NM_001374358.1); c.730_733del, p.Asp244fs (NM_001374359.1, NM_001374360.1); and 1 more; short protein forms D205fs, D244fs, D280fs, D358fs, D394fs, D406fs, D433fs, D452fs.
Identifiers: ClinVar variation 812086 (VCV000812086.14), dbSNP rs866604517, ClinGen allele CA86507204.

ClinVar aggregate classification (germline): Pathogenic/Likely pathogenic. Review status: criteria provided, multiple submitters, no conflicts (2 of 4 stars). 5 submissions from 5 submitters: Pathogenic (4); Likely pathogenic (1). Last evaluated 2025-06-05.

Conditions:
GFM1-related disorders.
Hepatoencephalopathy due to combined oxidative phosphorylation defect type 1. Also called: HEPATOENCEPHALOPATHY, EARLY FATAL PROGRESSIVE. Identifiers: Orphanet 137681, MedGen C1836797, MONDO:0012191, OMIM 609060.

Submissions (5):

Natera, Inc.
Classification: Pathogenic for Combined oxidative phosphorylation deficiency 1. Last evaluated: 2025-06-05. Review status: criteria provided, single submitter. Criteria: Natera Variant Classification Schema (03/2026). Collection method: clinical testing. Allele origin: germline.
Comment: The c.1297_1300delGACA variant in GFM1 is a frameshift variant predicted to shift the reading frame beginning at codon 433 and leads to a stop codon 20 codons downstream. This variant is expected to result in nonsense mediated decay, truncation, or a dysfunctional protein product. This variant is rare in the general population with a frequency below the threshold expected for the associated phenotype(s). This variant has been observed in one or more individuals affected with the associated recessive disease, as either homozygous or compound heterozygous with a second variant (PMID: 31680380). Given the available evidence, this variant is classified as Pathogenic.

GeneDx
Classification: Pathogenic. Last evaluated: 2024-10-08. Review status: criteria provided, single submitter. Criteria: GeneDx Variant Classification Process June 2021. Collection method: clinical testing. Allele origin: germline. Affected: yes.
Comment: Frameshift variant predicted to result in protein truncation or nonsense mediated decay in a gene for which loss-of-function is a known mechanism of disease; Not observed at a significant frequency in large population cohorts (gnomAD); This variant is associated with the following publications: (PMID: 31680380)

Blueprint Genetics
Classification: Likely pathogenic for GFM1-related disorders. Last evaluated: 2023-09-07. Review status: criteria provided, single submitter. Criteria: ACMG Guidelines, 2015. Collection method: clinical testing. Allele origin: germline. Affected: yes. Observed: 2 variant alleles.

Labcorp Genetics (formerly Invitae), Labcorp
Classification: Pathogenic. Last evaluated: 2020-02-24. Review status: criteria provided, single submitter. Criteria: Invitae Variant Classification Sherloc (09022015). Collection method: clinical testing. Allele origin: germline.
Comment: For these reasons, this variant has been classified as Pathogenic. Loss-of-function variants in GFM1 are known to be pathogenic (PMID: 16632485, 17160893). This variant has not been reported in the literature in individuals with GFM1-related conditions. This variant is not present in population databases (ExAC no frequency). This sequence change creates a premature translational stop signal (p.Asp433Lysfs*20) in the GFM1 gene. It is expected to result in an absent or disrupted protein product.

Laboratoire de Génétique Moléculaire Institut de Recherche Necker Enfants Malades, CHU Paris - Hôpital Necker-Enfants Malades
Classification: Pathogenic for Combined oxidative phosphorylation deficiency 1. Review status: criteria provided, single submitter. Criteria: ACMG Guidelines, 2015. Collection method: clinical testing. Allele origin: inherited. Affected: yes. Observed: 1 variant allele.

Literature cited by the submitters: PubMed 31680380 (cited by Natera, Inc.); PubMed 16632485 (cited by Labcorp Genetics (formerly Invitae), Labcorp); PubMed 17160893 (cited by Labcorp Genetics (formerly Invitae), Labcorp).